The following is an entry in ClinVar:

NM_003590.5(CUL3):c.1640A>C (p.Gln547Pro)

Gene: CUL3 (cullin 3; minus strand). Cytogenetic location: 2q36.2.
Variant type: single nucleotide variant.
Coding change: c.1640A>C on transcript NM_003590.5 (MANE Select); coding-DNA position 1640, A replaced by C.
Protein change: p.Gln547Pro; replaces glutamine 547 with proline.
Molecular consequence: missense variant.
Genome position (GRCh38, 1-based): chr2:224,497,820, T>G on the plus strand (A>C on the coding strand, the complement: CUL3 is on the minus strand). VCF-style: chr2-224497820-T-G. GRCh37 (hg19) VCF-style: chr2-225362537-T-G.
Other names: c.1442A>C, p.Gln481Pro (NM_001257197.2); c.1658A>C, p.Gln553Pro (NM_001257198.2); short protein forms Q553P, Q547P, Q481P.
Identifiers: ClinVar variation 2834682 (VCV002834682.3), dbSNP rs2469957258, ClinGen allele CA350825688.

ClinVar aggregate classification (germline): Uncertain significance (1 of 4 stars; one submission).

Submission:

Labcorp Genetics (formerly Invitae), Labcorp
Classification: Uncertain significance. Last evaluated: 2023-02-04. Review status: criteria provided, single submitter. Criteria: Invitae Variant Classification Sherloc (09022015). Collection method: clinical testing. Allele origin: germline.
Comment: In summary, the available evidence is currently insufficient to determine the role of this variant in disease. Therefore, it has been classified as a Variant of Uncertain Significance. Advanced modeling of protein sequence and biophysical properties (such as structural, functional, and spatial information, amino acid conservation, physicochemical variation, residue mobility, and thermodynamic stability) performed at Invitae indicates that this missense variant is expected to disrupt CUL3 protein function. This variant has not been reported in the literature in individuals affected with CUL3-related conditions. This variant is not present in population databases (gnomAD no frequency). This sequence change replaces glutamine, which is neutral and polar, with proline, which is neutral and non-polar, at codon 547 of the CUL3 protein (p.Gln547Pro).